The following is an entry in ClinVar:

ClinVar aggregate classification (germline): Uncertain significance (1 of 4 stars; one submission).

Submission:

GeneDx
Classification: Uncertain significance. Last evaluated: 2025-09-30. Review status: criteria provided, single submitter. Criteria: GeneDx Variant Classification Process June 2021. Collection method: clinical testing. Allele origin: germline.
Comment: Not observed at significant frequency in large population cohorts (gnomAD); Canonical splice site variant in a gene or region of a gene for which loss of function is not a well-established mechanism of disease; Has not been previously published as pathogenic or benign to our knowledge

NM_001220.5(CAMK2B):c.517+1G>T

Gene: CAMK2B (calcium/calmodulin dependent protein kinase II beta; minus strand). Cytogenetic location: 7p13.
Variant type: single nucleotide variant.
Coding change: c.517+1G>T on transcript NM_001220.5 (MANE Select); the canonical splice donor site of the intron after coding-DNA position 517, G replaced by T.
Molecular consequence: splice donor variant.
Genome position (GRCh38, 1-based): chr7:44,243,424, C>A on the plus strand (G>T on the coding strand, the complement: CAMK2B is on the minus strand). VCF-style: chr7-44243424-C-A. GRCh37 (hg19) VCF-style: chr7-44283023-C-A.
Other names: c.517+1G>T (NM_172084.3, NM_172080.3, NM_172083.3 and 5 more transcripts).
Identifiers: ClinVar variation 4072748 (VCV004072748.2).